The following is an entry in ClinVar:

NM_001165963.4(SCN1A):c.3802_3812del (p.Leu1268fs)

Genes: SCN1A (sodium voltage-gated channel alpha subunit 1; minus strand), LOC102724058 (uncharacterized LOC102724058; plus strand). Cytogenetic location: 2q24.3.
Variant type: Deletion.
Coding change: c.3802_3812del on transcript NM_001165963.4 (MANE Select); coding-DNA positions 3802 to 3812, 11 bases deleted (CTTCTAAAATG).
Protein change: p.Leu1268fs; shifts the reading frame from leucine 1268.
Molecular consequence: frameshift variant. On other transcripts: non-coding transcript variant (1).
Genome position (GRCh38, 1-based): chr2:166,012,176-166,012,186, CATTTTAGAAG deleted on the plus strand (CTTCTAAAATG on the coding strand, the reverse complement: SCN1A is on the minus strand); deleting any 11 consecutive bases within chr2:166,012,176-166,012,191 gives the same sequence; the c. name uses the placement nearest the transcript's 3' end. VCF-style (leftmost placement, unchanged base first): chr2-166012175-CCATTTTAGAAG-C. GRCh37 (hg19) VCF-style: chr2-166868685-CCATTTTAGAAG-C.
Other names: c.3718_3728del, p.Leu1240fs (NM_001165964.3, NM_001353957.2, NM_001353958.2); c.3802_3812del, p.Leu1268fs (NM_001202435.3, NM_001353948.2); c.3769_3779del, p.Leu1257fs (NM_001353949.2, NM_001353950.2, NM_001353951.2 and 2 more transcripts); c.3766_3776del, p.Leu1256fs (NM_001353954.2, NM_001353955.2); c.3715_3725del, p.Leu1239fs (NM_001353960.2); c.1360_1370del, p.Leu454fs (NM_001353961.2); short protein forms L1240fs, L1239fs, L1256fs, L1257fs, L1268fs, L454fs.
Identifiers: ClinVar variation 189860 (VCV000189860.1), dbSNP rs794726709, ClinGen allele CA303130.

ClinVar aggregate classification (germline): Pathogenic (1 of 4 stars; one submission).

Conditions:
Severe myoclonic epilepsy in infancy (DRVT). Also called: Epileptic encephalopathy, early infantile, 6 (Dravet syndrome); SEVERE MYOCLONIC EPILEPSY OF INFANCY; DEVELOPMENTAL AND EPILEPTIC ENCEPHALOPATHY 6A; Severe Myoclonic Epilepsy in Infancy (SMEI); Dravet syndrome. Identifiers: Orphanet 33069, MedGen C0751122, MONDO:0100135, OMIM 607208.

Submission:

Center for Bioinformatics, Peking University
Classification: Pathogenic for Dravet syndrome. Last evaluated: 2014-12-20. Review status: criteria provided, single submitter. Criteria: Xu et al. (Hum Mutat. 2015). Collection method: research. Allele origin: de novo. Affected: yes. Observed: 1 variant allele. Study: University Clinical Cooperation “985 Project” PKU-2014-1-1.
Comment: Dravet syndrome (DS) probands were recruited from the outpatient and inpatient child neurology units of Peking University First Hospital from 2005 till present. The study was approved by the Ethics Committee of Peking University First Hospital and the Institutional Review Board at Peking University. Participants or their parents provided written informed consent before enrollment. We collected a total of 267 mutations from 255 families with probands diagnosed with DS in China. All probands fulfilled the clinical diagnostic criteria.